The following is an entry in ClinVar:

NM_014832.5(TBC1D4):c.1034A>C (p.His345Pro)

Gene: TBC1D4 (TBC1 domain family member 4; minus strand). Cytogenetic location: 13q22.2.
Variant type: single nucleotide variant.
Coding change: c.1034A>C on transcript NM_014832.5 (MANE Select); coding-DNA position 1034, A replaced by C.
Protein change: p.His345Pro; replaces histidine 345 with proline.
Molecular consequence: missense variant.
Genome position (GRCh38, 1-based): chr13:75,362,072, T>G on the plus strand (A>C on the coding strand, the complement: TBC1D4 is on the minus strand). VCF-style: chr13-75362072-T-G. GRCh37 (hg19) VCF-style: chr13-75936208-T-G.
Other names: c.1034A>C, p.His345Pro (NM_001286658.2, NM_001286659.2); short protein forms H345P.
Identifiers: ClinVar variation 3174655 (VCV003174655.2), dbSNP rs371090425, ClinGen allele CA7004144.

ClinVar aggregate classification (germline): Uncertain significance (1 of 4 stars; one submission).

Allele frequency attached by ClinVar (database versions not stated): gnomAD exomes 0.00001; ExAC 0.00007; gnomAD 0.00007; ESP Exome Variant Server 0.00008; TOPMed 0.00013.
gnomAD v4.1: 70 of 1,613,888 alleles (0.0043%); highest among the groups gnomAD compares: East Asian, 0.047%; no homozygotes.

Submission:

Ambry Genetics
Classification: Uncertain significance. Last evaluated: 2026-02-28. Review status: criteria provided, single submitter. Criteria: Ambry Variant Classification Scheme 2023. Collection method: clinical testing. Allele origin: germline.
Comment: The c.1034A>C (p.H345P) alteration is located in exon 2 (coding exon 2) of the TBC1D4 gene. This alteration results from a A to C substitution at nucleotide position 1034, causing the histidine (H) at amino acid position 345 to be replaced by a proline (P). Based on data from gnomAD, the C allele has an overall frequency of 0.007% (20/280542) total alleles studied. The highest observed frequency was 0.077% (15/19532) of East Asian alleles. Based on insufficient or conflicting evidence, the clinical significance of this alteration remains unclear.